The following is an entry in ClinVar:

NM_145059.3(FCSK):c.409C>T (p.Arg137Trp)

Gene: FCSK (fucose kinase; plus strand). Cytogenetic location: 16q22.1.
Variant type: single nucleotide variant.
Coding change: c.409C>T on transcript NM_145059.3 (MANE Select); coding-DNA position 409, C replaced by T.
Protein change: p.Arg137Trp; replaces arginine 137 with tryptophan.
Molecular consequence: missense variant.
Genome position (GRCh38, 1-based): chr16:70,466,255, C>T. VCF-style: chr16-70466255-C-T. GRCh37 (hg19) VCF-style: chr16-70500158-C-T.
Other names: short protein forms R137W.
Identifiers: ClinVar variation 2419423 (VCV002419423.6), dbSNP rs947283993, ClinGen allele CA283461954.

ClinVar aggregate classification (germline): Uncertain significance (1 of 4 stars; one submission).

Allele frequency attached by ClinVar (database versions not stated): gnomAD 0.00003.
gnomAD v4.1: 33 of 1,613,880 alleles (0.002%); highest among the groups gnomAD compares: Admixed American, 0.0067%; no homozygotes.

Submission:

Labcorp Genetics (formerly Invitae), Labcorp
Classification: Uncertain significance. Last evaluated: 2024-02-24. Review status: criteria provided, single submitter. Criteria: Invitae Variant Classification Sherloc (09022015). Collection method: clinical testing. Allele origin: germline.
Comment: This sequence change replaces arginine, which is basic and polar, with tryptophan, which is neutral and slightly polar, at codon 137 of the FUK protein (p.Arg137Trp). This variant is present in population databases (no rsID available, gnomAD 0.0009%). This variant has not been reported in the literature in individuals affected with FUK-related conditions. ClinVar contains an entry for this variant (Variation ID: 2419423). An algorithm developed to predict the effect of missense changes on protein structure and function (PolyPhen-2) suggests that this variant is likely to be disruptive. In summary, the available evidence is currently insufficient to determine the role of this variant in disease. Therefore, it has been classified as a Variant of Uncertain Significance.